The following is an entry in ClinVar:

NM_001025356.3(ANO6):c.1274G>A (p.Arg425Gln)

Gene: ANO6 (anoctamin 6; plus strand). Cytogenetic location: 12q12.
Variant type: single nucleotide variant.
Coding change: c.1274G>A on transcript NM_001025356.3 (MANE Select); coding-DNA position 1274, G replaced by A.
Protein change: p.Arg425Gln; replaces arginine 425 with glutamine.
Molecular consequence: missense variant.
Genome position (GRCh38, 1-based): chr12:45,388,269, G>A. VCF-style: chr12-45388269-G-A. GRCh37 (hg19) VCF-style: chr12-45782052-G-A.
Other names: c.1220G>A, p.Arg407Gln (NM_001142678.2); c.1274G>A, p.Arg425Gln (NM_001142679.2); c.1337G>A, p.Arg446Gln (NM_001204803.2); short protein forms R407Q, R425Q, R446Q.
Identifiers: ClinVar variation 257140 (VCV000257140.8), dbSNP rs142960268, ClinGen allele CA6525282.

ClinVar aggregate classification (germline): Conflicting classifications of pathogenicity. Review status: criteria provided, conflicting classifications (1 of 4 stars). 4 submissions from 4 submitters: Uncertain significance (1); Benign (1); Likely benign (2). Last evaluated 2026-02-03.

Allele frequency attached by ClinVar (database versions not stated): 1000 Genomes Project 30x 0.00062; 1000 Genomes Project 0.00080; ExAC 0.00127; gnomAD exomes 0.00131; gnomAD 0.00159 and 0.00170; ESP Exome Variant Server 0.00185; TOPMed 0.00190.
gnomAD v4.1: 4,058 of 1,614,100 alleles (0.25%); highest among the groups gnomAD compares: Non-Finnish European, 0.32%; 7 homozygotes.

Submissions (4):

Labcorp Genetics (formerly Invitae), Labcorp
Classification: Benign. Last evaluated: 2026-02-03. Review status: criteria provided, single submitter. Criteria: Invitae Variant Classification Sherloc (09022015). Collection method: clinical testing. Allele origin: germline.

Blueprint Genetics
Classification: Likely benign. Last evaluated: 2024-11-04. Review status: criteria provided, single submitter. Criteria: ACMG Guidelines, 2015. Collection method: clinical testing. Allele origin: germline.

Women's Health and Genetics/Laboratory Corporation of America, LabCorp
Classification: Uncertain significance. Last evaluated: 2023-10-04. Review status: criteria provided, single submitter. Criteria: LabCorp Variant Classification Summary - May 2015. Collection method: clinical testing. Allele origin: germline.
Comment: Variant summary: ANO6 c.1274G>A (p.Arg425Gln) results in a conservative amino acid change in the encoded protein sequence. Five of five in-silico tools predict a benign effect of the variant on protein function. The variant allele was found at a frequency of 0.0013 in 282850 control chromosomes in the gnomAD database, including 1 homozygotes. However, this gnomad data is not considered conclusive as Scott Syndrome may be a clinically silent disease. To our knowledge, no occurrence of c.1274G>A in individuals affected with Scott Syndrome and no experimental evidence demonstrating its impact on protein function have been reported. One submitter has cited clinical-significance assessments for this variant to ClinVar after 2014 and has classified the variant as benign. Based on the evidence outlined above, the variant was classified as VUS.

PreventionGenetics, part of Exact Sciences
Classification: Likely benign. Review status: criteria provided, single submitter. Criteria: ACMG Guidelines, 2015. Collection method: clinical testing. Allele origin: germline.